The following is an entry in ClinVar:

NM_052947.4(ALPK2):c.6248G>T (p.Gly2083Val)

Gene: ALPK2 (alpha kinase 2; minus strand). Cytogenetic location: 18q21.31.
Variant type: single nucleotide variant.
Coding change: c.6248G>T on transcript NM_052947.4 (MANE Select); coding-DNA position 6248, G replaced by T.
Protein change: p.Gly2083Val; replaces glycine 2083 with valine.
Molecular consequence: missense variant.
Genome position (GRCh38, 1-based): chr18:58,498,097, C>A on the plus strand (G>T on the coding strand, the complement: ALPK2 is on the minus strand). VCF-style: chr18-58498097-C-A. GRCh37 (hg19) VCF-style: chr18-56165329-C-A.
Other names: short protein forms G2083V.
Identifiers: ClinVar variation 1752407 (VCV001752407.3), dbSNP rs2518851808, ClinGen allele CA402541997.

ClinVar aggregate classification (germline): Uncertain significance (1 of 4 stars; one submission).

Allele frequency attached by ClinVar (database versions not stated): gnomAD exomes below 0.00001.
gnomAD v4.1: 1 of 1,614,114 alleles (0.000062%); highest among the groups gnomAD compares: Admixed American, 0.0017%; no homozygotes.

Submission:

Ambry Genetics
Classification: Uncertain significance. Last evaluated: 2023-08-25. Review status: criteria provided, single submitter. Criteria: Ambry Variant Classification Scheme 2023. Collection method: clinical testing. Allele origin: germline.
Comment: The p.G2083V variant (also known as c.6248G>T) is located in coding exon 11 of the ALPK2 gene. The glycine at codon 2083 is replaced by valine, an amino acid with dissimilar properties. This change occurs in the first base pair of coding exon 11. This amino acid position is conserved. In addition, this alteration is predicted to be tolerated by in silico analysis. Since supporting evidence is limited at this time, the clinical significance of this alteration remains unclear.